The following is an entry in ClinVar:

NM_024422.6(DSC2):c.425G>C (p.Cys142Ser)

Gene: DSC2 (desmocollin 2; minus strand). Cytogenetic location: 18q12.1.
Variant type: single nucleotide variant.
Coding change: c.425G>C on transcript NM_024422.6 (MANE Select); coding-DNA position 425, G replaced by C.
Protein change: p.Cys142Ser; replaces cysteine 142 with serine.
Molecular consequence: missense variant.
Genome position (GRCh38, 1-based): chr18:31,091,077, C>G on the plus strand (G>C on the coding strand, the complement: DSC2 is on the minus strand). VCF-style: chr18-31091077-C-G. GRCh37 (hg19) VCF-style: chr18-28671040-C-G.
Other names: c.425G>C (NM_024422.3); c.425G>C, p.Cys142Ser (NM_004949.5); short protein forms C142S.
Identifiers: ClinVar variation 1409163 (VCV001409163.8), dbSNP rs1478081073, ClinGen allele CA402114239.

ClinVar aggregate classification (germline): Uncertain significance. Review status: criteria provided, multiple submitters, no conflicts (2 of 4 stars). 4 submissions from 4 submitters: Uncertain significance (4). Last evaluated 2025-04-09.

Conditions:
Cardiovascular phenotype. Identifiers: MedGen CN230736.
Arrhythmogenic right ventricular dysplasia 11. Also called: Arrhythmogenic right ventricular dysplasia 11 with mild palmoplantar keratoderma and woolly hair; Arrhythmogenic Right Ventricular Dysplasia/Cardiomyopathy11; ARRHYTHMOGENIC RIGHT VENTRICULAR DYSPLASIA, FAMILIAL, 11. Identifiers: MedGen C1864850, MONDO:0012506, OMIM 610476.

Allele frequency attached by ClinVar (database versions not stated): gnomAD exomes below 0.00001; TOPMed below 0.00001; gnomAD 0.00001.
gnomAD v4.1: 7 of 1,613,904 alleles (0.00043%); highest among the groups gnomAD compares: Non-Finnish European, 0.00059%; no homozygotes.

Submissions (4):

Molecular Diagnostic Laboratory for Inherited Cardiovascular Disease, Montreal Heart Institute
Classification: Uncertain significance for Cardiovascular phenotype. Last evaluated: 2025-04-09. Review status: criteria provided, single submitter. Criteria: ACMG Guidelines, 2015. Collection method: clinical testing. Allele origin: germline. Affected: yes.
Comment: PM2

Labcorp Genetics (formerly Invitae), Labcorp
Classification: Uncertain significance for Arrhythmogenic right ventricular dysplasia 11. Last evaluated: 2023-03-23. Review status: criteria provided, single submitter. Criteria: Invitae Variant Classification Sherloc (09022015). Collection method: clinical testing. Allele origin: germline.
Comment: This variant is present in population databases (no rsID available, gnomAD 0.0009%). This sequence change replaces cysteine, which is neutral and slightly polar, with serine, which is neutral and polar, at codon 142 of the DSC2 protein (p.Cys142Ser). This variant has not been reported in the literature in individuals affected with DSC2-related conditions. In summary, the available evidence is currently insufficient to determine the role of this variant in disease. Therefore, it has been classified as a Variant of Uncertain Significance. Advanced modeling of protein sequence and biophysical properties (such as structural, functional, and spatial information, amino acid conservation, physicochemical variation, residue mobility, and thermodynamic stability) performed at Invitae indicates that this missense variant is not expected to disrupt DSC2 protein function. ClinVar contains an entry for this variant (Variation ID: 1409163).

Women's Health and Genetics/Laboratory Corporation of America, LabCorp
Classification: Uncertain significance. Last evaluated: 2022-10-02. Review status: criteria provided, single submitter. Criteria: LabCorp Variant Classification Summary - May 2015. Collection method: clinical testing. Allele origin: germline.

Ambry Genetics
Classification: Uncertain significance for Cardiovascular phenotype. Last evaluated: 2021-10-19. Review status: criteria provided, single submitter. Criteria: Ambry Variant Classification Scheme 2023. Collection method: clinical testing. Allele origin: germline.
Comment: The p.C142S variant (also known as c.425G>C), located in coding exon 4 of the DSC2 gene, results from a G to C substitution at nucleotide position 425. The cysteine at codon 142 is replaced by serine, an amino acid with dissimilar properties. This amino acid position is conserved. In addition, this alteration is predicted to be tolerated by in silico analysis. Since supporting evidence is limited at this time, the clinical significance of this alteration remains unclear.